The following is an entry in ClinVar:

NM_213622.4(STAMBP):c.400C>T (p.Arg134Trp)

Gene: STAMBP (STAM binding protein; plus strand). Cytogenetic location: 2p13.1.
Variant type: single nucleotide variant.
Coding change: c.400C>T on transcript NM_213622.4 (MANE Select); coding-DNA position 400, C replaced by T.
Protein change: p.Arg134Trp; replaces arginine 134 with tryptophan.
Molecular consequence: missense variant. On other transcripts: 5 prime UTR variant (6), non-coding transcript variant (4).
Genome position (GRCh38, 1-based): chr2:73,847,411, C>T. VCF-style: chr2-73847411-C-T. GRCh37 (hg19) VCF-style: chr2-74074538-C-T.
Other names: c.400C>T (NM_213622.2); c.400C>T, p.Arg134Trp (NM_001353967.2, NM_001353968.2, NM_001353969.2 and 3 more transcripts); c.-6C>T (NM_001353971.2, NM_001353972.2, NM_001353973.2 and 3 more transcripts); short protein forms R134W.
Identifiers: ClinVar variation 1439399 (VCV001439399.7), dbSNP rs199846438, ClinGen allele CA1717544.
Genomic context (GRCh38, chr2:73,847,411, plus strand): 5'-GTGTGAAGTGTTAGCCTAAATTTTCTCTCTTTGTAGAAGAAGGAAGCAGAGGAATTGGCC[C>T]GGAACATGGCCATCCAGCAAGAGCTGGAAAAGGAAAAACAGAGGGTAGCACAACAGAAGC-3'
Protein context (NP_998787.1, residues 124-144): EKKKEAEELA[Arg134Trp]NMAIQQELEK

ClinVar aggregate classification (germline): Uncertain significance. Review status: criteria provided, multiple submitters, no conflicts (2 of 4 stars). 3 submissions from 3 submitters: Uncertain significance (3). Last evaluated 2025-08-09.

Conditions:
Inborn genetic diseases. Identifiers: MedGen C0950123, MeSH D030342.

Allele frequency attached by ClinVar (database versions not stated): 1000 Genomes Project 0.00020; ExAC 0.00024; gnomAD exomes 0.00025 and 0.00019; gnomAD 0.00007 and 0.00010; ESP Exome Variant Server 0.00008; TOPMed 0.00015; 1000 Genomes Project 30x 0.00016.

Submissions (3):

Ambry Genetics
Classification: Uncertain significance for Inborn genetic diseases. Last evaluated: 2025-08-09. Review status: criteria provided, single submitter. Criteria: Ambry Variant Classification Scheme 2023. Collection method: clinical testing. Allele origin: germline.

Labcorp Genetics (formerly Invitae), Labcorp
Classification: Uncertain significance. Last evaluated: 2024-12-16. Review status: criteria provided, single submitter. Criteria: Invitae Variant Classification Sherloc (09022015). Collection method: clinical testing. Allele origin: germline.
Comment: This sequence change replaces arginine, which is basic and polar, with tryptophan, which is neutral and slightly polar, at codon 134 of the STAMBP protein (p.Arg134Trp). This variant is present in population databases (rs199846438, gnomAD 0.07%). This variant has not been reported in the literature in individuals affected with STAMBP-related conditions. ClinVar contains an entry for this variant (Variation ID: 1439399). Invitae Evidence Modeling of protein sequence and biophysical properties (such as structural, functional, and spatial information, amino acid conservation, physicochemical variation, residue mobility, and thermodynamic stability) indicates that this missense variant is expected to disrupt STAMBP protein function with a positive predictive value of 95%. In summary, the available evidence is currently insufficient to determine the role of this variant in disease. Therefore, it has been classified as a Variant of Uncertain Significance.

Breakthrough Genomics
Classification: Uncertain significance. Review status: criteria provided, single submitter. Criteria: ACMG Guidelines, 2015. Collection method: not provided. Allele origin: germline. Inheritance: Autosomal recessive inheritance. Affected: yes.